The following continues an entry in ClinVar:

NM_000051.4(ATM):c.115A>G (p.Thr39Ala)

Gene: ATM. ClinVar aggregate classification (germline): Conflicting classifications of pathogenicity. Uncertain significance (12); Likely benign (4).

Submissions 14 to 18 of 18:

Women's Health and Genetics/Laboratory Corporation of America, LabCorp
Classification: Uncertain significance. Last evaluated: 2022-12-01. Review status: criteria provided, single submitter. Criteria: LabCorp Variant Classification Summary - May 2015. Collection method: clinical testing. Allele origin: germline.
Comment: Variant summary: ATM c.115A>G (p.Thr39Ala) results in a non-conservative amino acid change located in the telomere-length maintenance and DNA damage repair domain (IPR021668) of the encoded protein sequence. Three of five in-silico tools predict a benign effect of the variant on protein function. The variant allele was found at a frequency of 3.9e-05 in 414858 control chromosomes (gnomAD v2&v3, Tiao_2017, Ackay_2021). This frequency is not significantly higher than expected for a pathogenic variant in ATM causing Prostate Cancer (3.9e-05 vs 0.00025), allowing no conclusion about variant significance. c.115A>G has been reported in the literature in individuals affected with prostate cancer (Brady_2022), dystonia (Pogoda_2019), low-grade glioma (Lu_2015), ovarian cancer (Naskou_2020), and colorectal cancer (Hirsch_2018). These report(s) do not provide conclusions about association of the variant with Prostate Cancer. To our knowledge, no experimental evidence demonstrating an impact on protein function has been reported. Nine ClinVar submitters (evaluation after 2014) cite the variant as uncertain significance. Based on the evidence outlined above, the variant was classified as uncertain significance.

MGZ Medical Genetics Center
Classification: Uncertain significance for Familial cancer of breast. Last evaluated: 2022-02-21. Review status: criteria provided, single submitter. Criteria: ACMG Guidelines, 2015. Collection method: clinical testing. Allele origin: germline. Affected: yes. Observed: 1 variant allele.
Comment: ACMG criteria applied: PM2_SUP, BP4

Sema4
Classification: Uncertain significance for Hereditary cancer-predisposing syndrome. Last evaluated: 2021-09-25. Review status: criteria provided, single submitter. Criteria: Sema4 Curation Guidelines. Collection method: curation. Allele origin: germline.
Comment: The ATM c.115A>G (p.T39A) variant has not been reported in the literature to our knowledge. It was observed in 9/129092 chromosomes of the Non-Finnish European subpopulation in the large and broad cohorts of the Genome Aggregation Database (PMID: 32461654). The variant has been reported in ClinVar (Variation ID: 184988). Functional studies have not been performed, and in silico predictions of the variant's effect on protein function are inconclusive. The evidence is insufficient to meet ACMG/AMP criteria for classifying the variant as benign or pathogenic. Thus, the clinical significance of this variant is currently uncertain.

Natera, Inc.
Classification: Uncertain significance for Ataxia-telangiectasia. Last evaluated: 2020-09-16. Review status: no assertion criteria provided. Collection method: clinical testing. Allele origin: germline. Not counted in ClinVar's aggregate classification.

Counsyl
Classification: Uncertain significance for Ataxia-telangiectasia syndrome. Last evaluated: 2018-04-03. Review status: no assertion criteria provided. Collection method: clinical testing. Allele origin: unknown. Not counted in ClinVar's aggregate classification.

Literature cited by the submitters: PubMed 32658311 (cited by 3 submitters); PubMed 40580951 (cited by Ambry Genetics); PubMed 26689913 (cited by Labcorp Genetics (formerly Invitae), Labcorp and Women's Health and Genetics/Laboratory Corporation of America, LabCorp); PubMed 31920950 (cited by 4 submitters); PubMed 35467778 (cited by 3 submitters); PubMed 28652578 (cited by Athena Diagnostics and Women's Health and Genetics/Laboratory Corporation of America, LabCorp); PubMed 25085752 (cited by Myriad Genetics, Inc.); PubMed 29967250 (cited by Women's Health and Genetics/Laboratory Corporation of America, LabCorp); PubMed 31704732 (cited by Women's Health and Genetics/Laboratory Corporation of America, LabCorp).